The following is an entry in ClinVar:

NM_002137.4(HNRNPA2B1):c.562A>C (p.Arg188=)

Gene: HNRNPA2B1 (heterogeneous nuclear ribonucleoprotein A2/B1; minus strand). Cytogenetic location: 7p15.2.
Variant type: single nucleotide variant.
Coding change: c.562A>C on transcript NM_002137.4 (MANE Select); coding-DNA position 562, A replaced by C.
Protein change: p.Arg188=; no amino-acid change (arginine 188 retained).
Molecular consequence: synonymous variant.
Genome position (GRCh38, 1-based): chr7:26,196,572, T>G on the plus strand (A>C on the coding strand, the complement: HNRNPA2B1 is on the minus strand). VCF-style: chr7-26196572-T-G. GRCh37 (hg19) VCF-style: chr7-26236192-T-G.
Other names: p.Arg200=; c.598A>C, p.Arg200= (NM_031243.4).
Identifiers: ClinVar variation 1965128 (VCV001965128.6), dbSNP rs142703755, ClinGen allele CA4194607.
Genomic context (GRCh38, chr7:26,196,572, plus strand): 5'-CCTTATATATGAACAAAAATAAAGAAGAAACAGAATTAAAATTACCTCCTCTTCCACTCC[T>G]AGAACTCTGAACTTCCTGCATTTCTTGTCTAGACAAAGCCTTTCTTACTTCTGCATTATG-3'
Protein context (NP_002128.1, residues 178-198): RQEMQEVQSS[Arg188=]SGRGGNFGFG

ClinVar aggregate classification (germline): Likely benign. Review status: criteria provided, multiple submitters, no conflicts (2 of 4 stars). 2 submissions from 2 submitters: Likely benign (2). Last evaluated 2025-09-10.

Conditions:
Inclusion body myopathy with early-onset Paget disease with or without frontotemporal dementia 2 (IBMPFD2). Also called: MULTISYSTEM PROTEINOPATHY 2. Identifiers: MedGen C3809468, MONDO:0014178, OMIM 615422.

Allele frequency attached by ClinVar (database versions not stated): gnomAD exomes below 0.00001; TOPMed 0.00005; ESP Exome Variant Server 0.00015; gnomAD 0.00009; ExAC 0.00002.
gnomAD v4.1: 16 of 1,613,640 alleles (0.00099%); highest among the groups gnomAD compares: African/African-American, 0.019%; no homozygotes.

Submissions (2):

Labcorp Genetics (formerly Invitae), Labcorp
Classification: Likely benign for Inclusion body myopathy with early-onset Paget disease with or without frontotemporal dementia 2. Last evaluated: 2025-09-10. Review status: criteria provided, single submitter. Criteria: Invitae Variant Classification Sherloc (09022015). Collection method: clinical testing. Allele origin: germline.

Mayo Clinic Laboratories, Mayo Clinic
Classification: Likely benign. Last evaluated: 2025-04-21. Review status: criteria provided, single submitter. Criteria: ACMG Guidelines, 2015. Collection method: clinical testing. Allele origin: germline. Observed: 1 variant allele.
Comment: BP4, BP7